The following is an entry in ClinVar:

NM_014871.6(PAN2):c.767G>C (p.Ser256Thr)

Gene: PAN2 (poly(A) specific ribonuclease subunit PAN2; minus strand). Cytogenetic location: 12q13.3.
Variant type: single nucleotide variant.
Coding change: c.767G>C on transcript NM_014871.6 (MANE Select); coding-DNA position 767, G replaced by C.
Protein change: p.Ser256Thr; replaces serine 256 with threonine.
Molecular consequence: missense variant.
Genome position (GRCh38, 1-based): chr12:56,327,516, C>G on the plus strand (G>C on the coding strand, the complement: PAN2 is on the minus strand). VCF-style: chr12-56327516-C-G. GRCh37 (hg19) VCF-style: chr12-56721300-C-G.
Other names: c.767G>C, p.Ser256Thr (NM_001127460.4, NM_001166279.3, NM_001394699.1 and 8 more transcripts); c.350G>C, p.Ser117Thr (NM_001394708.1); short protein forms S117T, S256T.
Identifiers: ClinVar variation 4975265 (VCV004975265.2).

ClinVar aggregate classification (germline): Uncertain significance (1 of 4 stars; one submission).

gnomAD v4.1: 12 of 1,614,090 alleles (0.00074%); highest among the groups gnomAD compares: African/African-American, 0.015%; no homozygotes.

Submission:

GeneDx
Classification: Uncertain significance. Last evaluated: 2026-10-20. Review status: criteria provided, single submitter. Criteria: GeneDx Variant Classification Process June 2021. Collection method: clinical testing. Allele origin: germline.
Comment: In silico analysis suggests that this missense variant does not alter protein structure/function; Has not been previously published as pathogenic or benign to our knowledge